The following is an entry in ClinVar:

ClinVar aggregate classification (germline): Likely pathogenic (1 of 4 stars; one submission).

Allele frequency attached by ClinVar (database versions not stated): gnomAD 0.00003; TOPMed 0.00003.

Submission:

Dasa
Classification: Likely pathogenic. Last evaluated: 2026-03-17. Review status: criteria provided, single submitter. Criteria: DASA Assertion Criteria. Collection method: clinical testing. Allele origin: germline.
Comment: NM_003619.4(PRSS12):c.781C>T (p.Gln261*) introduces a premature termination codon predicted to result in loss of normal protein function. Loss-of-function is an established mechanism of disease for this gene. The variant is present at low frequency in population datasets. Based on the available data, this variant is classified as likely pathogenic.

NM_003619.4(PRSS12):c.781C>T (p.Gln261Ter)

Gene: PRSS12 (serine protease 12; minus strand). Cytogenetic location: 4q26.
Variant type: single nucleotide variant.
Coding change: c.781C>T on transcript NM_003619.4 (MANE Select); coding-DNA position 781, C replaced by T.
Protein change: p.Gln261Ter; replaces glutamine 261 with a stop codon.
Molecular consequence: nonsense.
Genome position (GRCh38, 1-based): chr4:118,335,512, G>A on the plus strand (C>T on the coding strand, the complement: PRSS12 is on the minus strand). VCF-style: chr4-118335512-G-A. GRCh37 (hg19) VCF-style: chr4-119256667-G-A.
Other names: short protein forms Q261*.
Identifiers: ClinVar variation 4851854 (VCV004851854.1), dbSNP rs1205071832.